The following is an entry in ClinVar:

NC_000011.9:g.(?_108137888)_(108155210_?)del

Gene: ATM (ATM serine/threonine kinase; plus strand). Cytogenetic location: 11q22.3.
Variant type: Deletion.
Identifiers: ClinVar variation 2422214 (VCV002422214.4).

ClinVar aggregate classification (germline): Pathogenic (1 of 4 stars; one submission).

Conditions:
Ataxia-telangiectasia syndrome (AT). Also called: Cerebello-oculocutaneous telangiectasia; Immunodeficiency with ataxia telangiectasia; Ataxia-telangiectasia; AT, COMPLEMENTATION GROUP C; Ataxia telangiectasia (A-T); LOUIS-BAR SYNDROME. Identifiers: Orphanet 100, MedGen C0004135, MONDO:0008840, OMIM 208900.

Submission:

Labcorp Genetics (formerly Invitae), Labcorp
Classification: Pathogenic for Ataxia-telangiectasia syndrome. Last evaluated: 2021-11-26. Review status: criteria provided, single submitter. Criteria: Invitae Variant Classification Sherloc (09022015). Collection method: clinical testing. Allele origin: germline.
Comment: For these reasons, this variant has been classified as Pathogenic. This variant disrupts a region of the ATM protein in which other variant(s) (p.Leu950Arg) have been determined to be pathogenic (PMID: 10873394, 12552559, 20678261, 21792198, 27989354). This suggests that this is a clinically significant region of the protein, and that variants that disrupt it are likely to be disease-causing. This variant has not been reported in the literature in individuals affected with ATM-related conditions. This variant is a gross deletion of the genomic region encompassing exon(s) 17-26 of the ATM gene. This variant would be expected to be in-frame, preserving the integrity of the reading frame.

Literature cited by the submitters: PubMed 10873394; PubMed 12552559; PubMed 20678261; PubMed 21792198; PubMed 27989354.